The following is an entry in ClinVar:

ClinVar aggregate classification (germline): Likely benign (1 of 4 stars; one submission).

gnomAD v4.1: 1,522 of 1,614,208 alleles (0.094%); highest among the groups gnomAD compares: Admixed American, 0.11%; 1 homozygote.

Submission:

CeGaT Center for Human Genetics Tuebingen
Classification: Likely benign. Last evaluated: 2026-06-01. Review status: criteria provided, single submitter. Criteria: CeGaT Center For Human Genetics Tuebingen Variant Classification Criteria Version 2. Collection method: clinical testing. Allele origin: germline. Affected: yes. Observed: 1 variant allele.
Comment: SEMA4D: BP4, BS2

NM_001371194.2(SEMA4D):c.2393G>A (p.Ser798Asn)

Gene: SEMA4D (semaphorin 4D; minus strand). Cytogenetic location: 9q22.2.
Variant type: single nucleotide variant.
Coding change: c.2393G>A on transcript NM_001371194.2 (MANE Select); coding-DNA position 2393, G replaced by A.
Protein change: p.Ser798Asn; replaces serine 798 with asparagine.
Molecular consequence: missense variant. On other transcripts: intron variant (6).
Genome position (GRCh38, 1-based): chr9:89,378,900, C>T on the plus strand (G>A on the coding strand, the complement: SEMA4D is on the minus strand). VCF-style: chr9-89378900-C-T. GRCh37 (hg19) VCF-style: chr9-91993815-C-T.
Other names: c.2393G>A, p.Ser798Asn (NM_001371195.1, NM_001371196.1, NM_001371197.1 and 1 more transcripts); c.1664-1849G>A (NM_001371198.1, NM_001371201.1, NM_001371202.1 and 3 more transcripts); short protein forms S798N.
Identifiers: ClinVar variation 4872183 (VCV004872183.2).
Genomic context (GRCh38, chr9:89,378,900, plus strand): 5'-TCGGTCTCATAGCCGGTGTCCAGGGCTGGCTTGGGGTGCTCCCCATTCTGCTGGGAGAAG[C>T]TCCCTGGCTCTACTAACGTCTCCTTCAGGCTCTGCTCACGGTCACAGAAATCTGACTTGG-3'
Protein context (NP_001358123.1, residues 788-808): SLKETLVEPG[Ser798Asn]FSQQNGEHPK